The following is an entry in ClinVar:

ClinVar aggregate classification (germline): Uncertain significance (1 of 4 stars; one submission).

Conditions:
CLPP-related disorder. Also called: CLPP-related condition.

gnomAD v4.1: 1 of 1,597,734 alleles (0.000063%); highest among the groups gnomAD compares: Non-Finnish European, 0.000085%; no homozygotes.

Submission:

PreventionGenetics, part of Exact Sciences
Classification: Uncertain significance for CLPP-related condition. Last evaluated: 2026-03-17. Review status: criteria provided, single submitter. Criteria: ACMG Guidelines, 2015. Collection method: clinical testing. Allele origin: germline.
Comment: The CLPP c.257G>C variant is predicted to result in the amino acid substitution p.Cys86Ser. To our knowledge, this variant has not been reported in the literature. This variant is reported in 0.00097% of alleles in individuals of European (Non-Finnish) descent in gnomAD. An alternative substitution at this amino acid position (p.Cys86Tyr) has been reported to segregate with prelingual hearing loss in one large consanguineous family (Zafar et al. 2020. PubMed ID: 32842620). Although we suspect that this variant may be pathogenic, at this time, the clinical significance of this variant is uncertain due to the absence of conclusive functional and genetic evidence.

NM_006012.4(CLPP):c.257G>C (p.Cys86Ser)

Genes: CLPP (caseinolytic mitochondrial matrix peptidase proteolytic subunit; plus strand), LOC130063288 (ATAC-STARR-seq lymphoblastoid silent region 9948; plus strand). Cytogenetic location: 19p13.3.
Variant type: single nucleotide variant.
Coding change: c.257G>C on transcript NM_006012.4 (MANE Select); coding-DNA position 257, G replaced by C.
Protein change: p.Cys86Ser; replaces cysteine 86 with serine.
Molecular consequence: missense variant.
Genome position (GRCh38, 1-based): chr19:6,361,927, G>C. VCF-style: chr19-6361927-G-C. GRCh37 (hg19) VCF-style: chr19-6361938-G-C.
Other names: short protein forms C86S.
Identifiers: ClinVar variation 4987482 (VCV004987482.1).
Genomic context (GRCh38, chr19:6,361,927, plus strand): 5'-AGGGTCGCGGCGAGCGCGCCTATGACATCTACTCGCGGCTGCTGCGGGAGCGCATCGTGT[G>C]CGTCATGGGCCCGGTGAGCGCCCCGCGCCGGGACCCTCCCCAGGACTCTCCCAAGCGCCT-3'
Protein context (NP_006003.1, residues 76-96): YSRLLRERIV[Cys86Ser]VMGPIDDSVA